The following is an entry in ClinVar:

NM_000284.4(PDHA1):c.900_903dup (p.Arg302fs)

Gene: PDHA1 (pyruvate dehydrogenase E1 subunit alpha 1; plus strand). Cytogenetic location: Xp22.12.
Variant type: Duplication.
Coding change: c.900_903dup on transcript NM_000284.4 (MANE Select); coding-DNA positions 900 to 903, 4 bases duplicated (TTAC; older notation c.900_903dupTTAC).
Protein change: p.Arg302fs; shifts the reading frame from arginine 302.
Molecular consequence: frameshift variant.
Genome position (GRCh38, 1-based): chrX:19,358,916-19,358,919, TTAC duplicated. VCF-style (leftmost placement, unchanged base first): chrX-19358915-G-GTTAC. GRCh37 (hg19) VCF-style: chrX-19377033-G-GTTAC.
Other names: c.807_810dup, p.Arg271fs (NM_001173456.2); c.1014_1017dup, p.Arg340fs (NM_001173454.2); c.921_924dup, p.Arg309fs (NM_001173455.2); short protein forms R271fs, R302fs, R309fs, R340fs.
Identifiers: ClinVar variation 4070395 (VCV004070395.1).

ClinVar aggregate classification (germline): Pathogenic (0 of 4 stars; one submission).

Conditions:
Pyruvate dehydrogenase E1-alpha deficiency (PDHAD). Also called: ATAXIA, INTERMITTENT, WITH PYRUVATE DEHYDROGENASE DEFICIENCY; ATAXIA WITH LACTIC ACIDOSIS I; ATAXIA, INTERMITTENT, WITH ABNORMAL PYRUVATE METABOLISM; Ataxia, intermittent, with pyruvate dehydrogenase, or decarboxylase, deficiency. Identifiers: Orphanet 79243, MedGen C1839413, MONDO:0010717, OMIM 312170.

Submission:

PDHA1 Study Group, University Children’s Hospital, Paracelsus Medical University
Classification: Pathogenic for Pyruvate dehydrogenase E1-alpha deficiency. Last evaluated: 2024-10-15. Review status: no assertion criteria provided. Collection method: research. Allele origin: de novo. Affected: yes. Observed: 1 variant allele.
Comment: The NM_000284.3:c.900_903dup (p.Arg302LeufsTer13) change is a frameshift variant in PDHA1 gene. This variant is predicted to result in nonsense-mediated decay (NMD). Among them, 1 case had confirmed de novo occurrence. Last literature search: July 12, 2024. This variant is absent or extremely rare in population-based cohorts in the Genome Aggregation Database (gnomAD). Individuals harboring this variant presented with clinical features compatible with PDHA1-related PDHc deficiency. In summary, this variant meets criteria to be classified as pathogenic (P) for PDHA1-related PDHc deficiency based on the ACMG/AMP criteria applied: PVS1, PS2, PM2, BS3 (last assessment October 15, 2024).

Literature cited by the submitters: DOI 10.1093/brain/awaf430.